The following is an entry in ClinVar:

ClinVar aggregate classification (germline): Uncertain significance (1 of 4 stars; one submission).

Conditions:
Fanconi anemia (FA). Also called: Fanconi's anemia. Identifiers: Orphanet 84, MedGen C0015625, MeSH D005199, MONDO:0019391.

Submission:

Labcorp Genetics (formerly Invitae), Labcorp
Classification: Uncertain significance for Fanconi anemia. Last evaluated: 2025-01-21. Review status: criteria provided, single submitter. Criteria: Invitae Variant Classification Sherloc (09022015). Collection method: clinical testing. Allele origin: germline.
Comment: This sequence change replaces histidine, which is basic and polar, with leucine, which is neutral and non-polar, at codon 463 of the FANCA protein (p.His463Leu). This variant is not present in population databases (gnomAD no frequency). This variant has not been reported in the literature in individuals affected with FANCA-related conditions. Invitae Evidence Modeling of protein sequence and biophysical properties (such as structural, functional, and spatial information, amino acid conservation, physicochemical variation, residue mobility, and thermodynamic stability) has been performed for this missense variant. However, the output from this modeling did not meet the statistical confidence thresholds required to predict the impact of this variant on FANCA protein function. In summary, the available evidence is currently insufficient to determine the role of this variant in disease. Therefore, it has been classified as a Variant of Uncertain Significance.

NM_000135.4(FANCA):c.1388A>T (p.His463Leu)

Gene: FANCA (FA complementation group A; minus strand). Cytogenetic location: 16q24.3.
Variant type: single nucleotide variant.
Coding change: c.1388A>T on transcript NM_000135.4 (MANE Select); coding-DNA position 1388, A replaced by T.
Protein change: p.His463Leu; replaces histidine 463 with leucine.
Molecular consequence: missense variant.
Genome position (GRCh38, 1-based): chr16:89,784,936, T>A on the plus strand (A>T on the coding strand, the complement: FANCA is on the minus strand). VCF-style: chr16-89784936-T-A. GRCh37 (hg19) VCF-style: chr16-89851344-T-A.
Other names: c.1388A>T, p.His463Leu (NM_001286167.3); short protein forms H463L.
Identifiers: ClinVar variation 3720895 (VCV003720895.2).